The following is an entry in ClinVar:

NM_006944.3(SPP2):c.95T>C (p.Val32Ala)

Gene: SPP2 (secreted phosphoprotein 2; plus strand). Cytogenetic location: 2q37.1.
Variant type: single nucleotide variant.
Coding change: c.95T>C on transcript NM_006944.3 (MANE Select); coding-DNA position 95, T replaced by C.
Protein change: p.Val32Ala; replaces valine 32 with alanine.
Molecular consequence: missense variant.
Genome position (GRCh38, 1-based): chr2:234,050,980, T>C. VCF-style: chr2-234050980-T-C. GRCh37 (hg19) VCF-style: chr2-234959624-T-C.
Other names: short protein forms V32A.
Identifiers: ClinVar variation 1347594 (VCV001347594.8), dbSNP rs1377115981, ClinGen allele CA351099371.

ClinVar aggregate classification (germline): Uncertain significance (1 of 4 stars; one submission).

Allele frequency attached by ClinVar (database versions not stated): gnomAD exomes below 0.00001 and 0.00001; TOPMed below 0.00001.
gnomAD v4.1: 3 of 1,614,036 alleles (0.00019%); highest among the groups gnomAD compares: Admixed American, 0.0017%; no homozygotes.

Submission:

Labcorp Genetics (formerly Invitae), Labcorp
Classification: Uncertain significance. Last evaluated: 2026-01-27. Review status: criteria provided, single submitter. Criteria: Invitae Variant Classification Sherloc (09022015). Collection method: clinical testing. Allele origin: germline.
Comment: This sequence change replaces valine, which is neutral and non-polar, with alanine, which is neutral and non-polar, at codon 32 of the SPP2 protein (p.Val32Ala). This variant is present in population databases (no rsID available, gnomAD 0.003%). This variant has not been reported in the literature in individuals affected with SPP2-related conditions. ClinVar contains an entry for this variant (Variation ID: 1347594). An algorithm developed to predict the effect of missense changes on protein structure and function (PolyPhen-2) suggests that this variant is likely to be disruptive. In summary, the available evidence is currently insufficient to determine the role of this variant in disease. Therefore, it has been classified as a Variant of Uncertain Significance.